The following is an entry in ClinVar:

NM_000465.4(BARD1):c.395del (p.Leu132fs)

Gene: BARD1 (BRCA1 associated RING domain 1; minus strand). Cytogenetic location: 2q35.
Variant type: Deletion.
Coding change: c.395del on transcript NM_000465.4 (MANE Select); coding-DNA position 395, one base deleted (T; older notation c.395delT).
Protein change: p.Leu132fs; shifts the reading frame from leucine 132.
Molecular consequence: frameshift variant. On other transcripts: non-coding transcript variant (2), intron variant (3).
Genome position (GRCh38, 1-based): chr2:214,781,479, A deleted on the plus strand (T on the coding strand, the reverse complement: BARD1 is on the minus strand); the first of 3 consecutive A bases (chr2:214,781,479-214,781,481); deleting any one gives the same sequence. VCF-style (leftmost placement, unchanged base first): chr2-214781478-CA-C. GRCh37 (hg19) VCF-style: chr2-215646202-CA-C.
Other names: c.338del, p.Leu113fs (NM_001282543.2); c.158+27933del (NM_001282548.2); c.215+15582del (NM_001282545.2); c.364+10818del (NM_001282549.2); short protein forms L132fs, L113fs.
Identifiers: ClinVar variation 1736504 (VCV001736504.3), dbSNP rs2469514179, ClinGen allele CA2580065716.

ClinVar aggregate classification (germline): Pathogenic (1 of 4 stars; one submission).

Conditions:
Hereditary cancer-predisposing syndrome. Also called: Neoplastic Syndromes, Hereditary; Tumor predisposition; Hereditary Cancer Syndrome; Hereditary neoplastic syndrome. Identifiers: Orphanet 140162, MedGen C0027672, MeSH D009386, MONDO:0015356.

Submission:

Ambry Genetics
Classification: Pathogenic for Hereditary cancer-predisposing syndrome. Last evaluated: 2025-07-16. Review status: criteria provided, single submitter. Criteria: Ambry Variant Classification Scheme 2023. Collection method: clinical testing. Allele origin: germline.
Comment: The c.395delT pathogenic mutation, located in coding exon 4 of the BARD1 gene, results from a deletion of one nucleotide at nucleotide position 395, causing a translational frameshift with a predicted alternate stop codon (p.L132Cfs*27). This variant is considered to be rare based on population cohorts in the Genome Aggregation Database (gnomAD). This variant is expected to result in loss of function by premature protein truncation or nonsense-mediated mRNA decay. As such, this alteration is interpreted as a disease-causing mutation.